The following is an entry in ClinVar:

NM_001142800.2(EYS):c.3215del (p.Thr1072fs)

Gene: EYS (EGF-like photoreceptor maintenance factor; minus strand). Cytogenetic location: 6q12.
Variant type: Deletion.
Coding change: c.3215del on transcript NM_001142800.2 (MANE Select); coding-DNA position 3215, one base deleted (C; older notation c.3215delC).
Protein change: p.Thr1072fs; shifts the reading frame from threonine 1072.
Molecular consequence: frameshift variant.
Genome position (GRCh38, 1-based): chr6:64,821,673, G deleted on the plus strand (C on the coding strand, the reverse complement: EYS is on the minus strand). VCF-style (leftmost placement, unchanged base first): chr6-64821672-AG-A. GRCh37 (hg19) VCF-style: chr6-65531565-AG-A.
Other names: c.3215delC (NM_001142800.1); c.3215del, p.Thr1072fs (NM_001292009.2); short protein forms T1072fs.
Identifiers: ClinVar variation 4732721 (VCV004732721.2).

ClinVar aggregate classification (germline): Pathogenic/Likely pathogenic. Review status: criteria provided, multiple submitters, no conflicts (2 of 4 stars). 2 submissions from 2 submitters: Pathogenic (1); Likely pathogenic (1). Last evaluated 2025-12-08.

Conditions:
Retinitis pigmentosa 25 (RP25). Identifiers: Orphanet 791, MedGen C1864446, MONDO:0011272, OMIM 602772.

Submissions (2):

Labcorp Genetics (formerly Invitae), Labcorp
Classification: Pathogenic. Last evaluated: 2025-12-08. Review status: criteria provided, single submitter. Criteria: Invitae Variant Classification Sherloc (09022015). Collection method: clinical testing. Allele origin: germline.
Comment: This sequence change creates a premature translational stop signal (p.Thr1072Ilefs*18) in the EYS gene. It is expected to result in an absent or disrupted protein product. Loss-of-function variants in EYS are known to be pathogenic (PMID: 18836446, 20333770). This variant is not present in population databases (gnomAD no frequency). This variant has not been reported in the literature in individuals affected with EYS-related conditions. For these reasons, this variant has been classified as Pathogenic.

Natera, Inc.
Classification: Likely pathogenic for Retinitis pigmentosa type 25. Last evaluated: 2024-03-20. Review status: criteria provided, single submitter. Criteria: Natera Variant Classification Schema (03/2026). Collection method: clinical testing. Allele origin: germline.
Comment: The c.3215delC variant in EYS is a frameshift variant predicted to shift the reading frame beginning at codon 1072 and leads to a stop codon 18 codons downstream. This variant is expected to result in nonsense mediated decay, truncation, or a dysfunctional protein product. This variant is rare in the general population with a frequency below the threshold expected for the associated phenotype(s). Given the available evidence, this variant is classified as Likely Pathogenic.

Literature cited by the submitters: PubMed 18836446 (cited by Labcorp Genetics (formerly Invitae), Labcorp); PubMed 20333770 (cited by Labcorp Genetics (formerly Invitae), Labcorp).